The following is an entry in ClinVar:

NM_020435.4(GJC2):c.484G>A (p.Ala162Thr)

Gene: GJC2 (gap junction protein gamma 2; plus strand). Cytogenetic location: 1q42.13.
Variant type: single nucleotide variant.
Coding change: c.484G>A on transcript NM_020435.4 (MANE Select); coding-DNA position 484, G replaced by A.
Protein change: p.Ala162Thr; replaces alanine 162 with threonine.
Molecular consequence: missense variant.
Genome position (GRCh38, 1-based): chr1:228,158,242, G>A. VCF-style: chr1-228158242-G-A. GRCh37 (hg19) VCF-style: chr1-228345943-G-A.
Other names: short protein forms A162T.
Identifiers: ClinVar variation 2902620 (VCV002902620.3), dbSNP rs1463803457, ClinGen allele CA345098111.

ClinVar aggregate classification (germline): Uncertain significance (1 of 4 stars; one submission).

Conditions:
Spastic paraplegia. Identifiers: MedGen C0037772, HP:0001258.

Allele frequency attached by ClinVar (database versions not stated): gnomAD exomes below 0.00001; gnomAD 0.00001; TOPMed 0.00001.
gnomAD v4.1: 5 of 1,509,904 alleles (0.00033%); highest among the groups gnomAD compares: Non-Finnish European, 0.00044%; no homozygotes.

Submission:

Labcorp Genetics (formerly Invitae), Labcorp
Classification: Uncertain significance for Spastic paraplegia. Last evaluated: 2023-08-23. Review status: criteria provided, single submitter. Criteria: Invitae Variant Classification Sherloc (09022015). Collection method: clinical testing. Allele origin: germline.
Comment: This sequence change replaces alanine, which is neutral and non-polar, with threonine, which is neutral and polar, at codon 162 of the GJC2 protein (p.Ala162Thr). The frequency data for this variant in the population databases is considered unreliable, as metrics indicate poor data quality at this position in the gnomAD database. This variant has not been reported in the literature in individuals affected with GJC2-related conditions. Algorithms developed to predict the effect of missense changes on protein structure and function output the following: SIFT: "Not Available"; PolyPhen-2: "Benign"; Align-GVGD: "Not Available". The threonine amino acid residue is found in multiple mammalian species, which suggests that this missense change does not adversely affect protein function. In summary, the available evidence is currently insufficient to determine the role of this variant in disease. Therefore, it has been classified as a Variant of Uncertain Significance.